The following is an entry in ClinVar:

ClinVar aggregate classification (germline): Likely pathogenic. Review status: criteria provided, multiple submitters, no conflicts (2 of 4 stars). 7 submissions from 7 submitters: Likely pathogenic (6). 1 of the submissions does not count toward it. Last evaluated 2026-09-11.

Conditions:
COL4A4-related disorder.
Hematuria. Identifiers: MedGen C0018965, HP:0000790.
Autosomal recessive Alport syndrome (ATS2). Also called: Alport syndrome type 2; COL4A4 Alport Syndrome and Thin Basement Membrane Nephropathy; ALPORT SYNDROME 2, AUTOSOMAL RECESSIVE; COL4A3-Related Nephropathy. Identifiers: Orphanet 63, Orphanet 88919, MedGen C4746745, MONDO:0008762, OMIM 203780.
Hematuria, benign familial, 1 (BFH1). Also called: THIN MEMBRANE NEPHROPATHY. Identifiers: MedGen CN376803, MONDO:0007709, OMIM 141200.
Nephrotic syndrome. Identifiers: MedGen C0027726, MONDO:0005377, HP:0000100.
Alport syndrome. Also called: Hemorrhagic familial nephritis; Hemorrhagic hereditary nephritis; Congenital hereditary hematuria. Identifiers: Orphanet 63, MedGen C1567741, MONDO:0018965.

gnomAD v4.1: 1 of 1,614,106 alleles (0.000062%); highest among the groups gnomAD compares: Non-Finnish European, 0.000085%; no homozygotes.

Submissions (7):

Genetics Laboratory, Great Ormond Street Hospital NHS Foundation Trust, North Thames Genomic Laboratory Hub
Classification: Likely pathogenic for Haematuria. Last evaluated: 2026-09-11. Review status: criteria provided, single submitter. Criteria: ACGS Best Practice Guidelines for Variant Classification in Rare Disease 2024 v1.2. Collection method: clinical testing. Allele origin: germline. Affected: yes.
Comment: PM2_moderate, PP3_supporting, PM1_strong, PP4_supporting

PreventionGenetics, part of Exact Sciences
Classification: Likely pathogenic for COL4A4-related condition. Last evaluated: 2026-01-11. Review status: criteria provided, single submitter. Criteria: ACMG Guidelines, 2015. Collection method: clinical testing. Allele origin: germline.
Comment: The COL4A4 c.1652G>A variant is predicted to result in the amino acid substitution p.Gly551Asp. This variant occurs at the conserved triple helical domain (residues 65 – 1459) of the COL4A4 protein, where substitutions of the glycine (Gly) residue are usually pathogenic (Hudson et al. 1993. PubMed ID: 8253711). To our knowledge, this variant has not been reported in the literature or in a large population database (gnomAD), indicating this variant is rare. However, at other glycine (Gly) residues within this domain, substitutions of a glycine (Gly) with an aspartic acid (Asp) have been widely reported to be pathogenic for autosomal dominant or recessive COL4A4-related Alport syndrome spectrum disorders (see for example, p.Gly533Asp in Storey et al. 2013. PubMed ID: 24052634, autosomal recessive; p.Gly619Asp in Wu et al. 2016. PubMed ID: 27469977, autosomal dominant; p.Gly677Asp in Fan et al. 2020. PubMed ID: 33159707, autosomal dominant). Therefore, the c.1652G>A (p.Gly551Asp) variant is interpreted as likely pathogenic for both autosomal dominant and recessive COL4A4-related Alport syndrome spectrum disorders.

Natera, Inc.
Classification: Likely pathogenic for Alport syndrome. Last evaluated: 2025-09-04. Review status: criteria provided, single submitter. Criteria: Natera Variant Classification Schema (03/2026). Collection method: clinical testing. Allele origin: germline.
Comment: The c.1652G>A variant in COL4A4 is a missense variant predicted to cause substitution of glycine to aspartic acid at amino acid 551. This variant is rare in the general population with a frequency below the threshold expected for the associated phenotype(s). This variant is located in a functionally critical region of the protein. Computational prediction algorithms indicate this variant is likely to affect gene or protein function. Given the available evidence, this variant is classified as Likely Pathogenic.

Blueprint Genetics
Classification: Likely pathogenic for COL4A4-related disorders. Last evaluated: 2024-08-16. Review status: criteria provided, single submitter. Criteria: ACMG Guidelines, 2015. Collection method: clinical testing. Allele origin: germline. Affected: yes. Observed: 1 variant allele.

Fulgent Genetics
Classification: Likely pathogenic for Hematuria, benign familial, 1; Autosomal recessive Alport syndrome. Last evaluated: 2024-06-11. Review status: criteria provided, single submitter. Criteria: ACMG Guidelines, 2015. Collection method: clinical testing. Allele origin: germline.

Molecular Genetics, Royal Melbourne Hospital
Classification: Likely pathogenic for Alport syndrome. Last evaluated: 2023-06-06. Review status: criteria provided, single submitter. Criteria: ACMG Guidelines, 2015. Collection method: clinical testing. Allele origin: germline. Inheritance: Semidominant inheritance. Affected: yes.
Comment: This sequence change in COL4A4 is predicted to replace glycine with aspartic acid at codon 551, p.(G551D). The glycine residue is highly conserved (100 vertebrates, UCSC), and is a glycine-altering variant that alters a critical glycine residue in a collagen triple helix repeat (Gly-X-Y) in the alpha-IV collagenous domain. Glycine substitutions within this functional domain have a well-established pathogenic dominant-negative effect (PMID: 20301386). There is a moderate physicochemical difference between glycine and aspartic acid. This variant is absent from the population database gnomAD v2.1 and v3.1. Computational evidence predicts a deleterious effect for the missense substitution (REVEL = 0.962). To our knowledge, this variant has not been previously reported in the relevant scientific literature. It has been observed compound heterozygous with a second pathogenic variant in an individual diagnosed with Alport Syndrome (ClinVar: SCV001449256.1 - communication with Children's Hospital Westmead). Based on the classification scheme RMH Modified ACMG/AMP Guidelines v1.6.1, this variant is classified as LIKELY PATHOGENIC. Following criteria are met: PM1, PM2_Supporting, PM3_Supporting, PP3_Moderate.

Sydney Genome Diagnostics, Children's Hospital Westmead
Classification: Likely pathogenic for Nephrotic syndrome. Last evaluated: 2018-01-09. Review status: no assertion criteria provided. Collection method: clinical testing. Allele origin: unknown. Affected: yes. Observed: 1 variant allele, 1 compound heterozygote. Not counted in ClinVar's aggregate classification.
Comment: This variant results in substitution of one of the invariant glycine residues within the triple helical domain of the alpha 4 chain of type 4 collagen. This variant is considered to be a likely pathogenic according to the ACMG guidelines.

NM_000092.5(COL4A4):c.1652G>A (p.Gly551Asp)

Gene: COL4A4 (collagen type IV alpha 4 chain; minus strand). Cytogenetic location: 2q36.3.
Variant type: single nucleotide variant.
Coding change: c.1652G>A on transcript NM_000092.5 (MANE Select); coding-DNA position 1652, G replaced by A.
Protein change: p.Gly551Asp; replaces glycine 551 with aspartic acid.
Molecular consequence: missense variant.
Genome position (GRCh38, 1-based): chr2:227,082,159, C>T on the plus strand (G>A on the coding strand, the complement: COL4A4 is on the minus strand). VCF-style: chr2-227082159-C-T. GRCh37 (hg19) VCF-style: chr2-227946875-C-T.
Other names: short protein forms G551D.
Identifiers: ClinVar variation 988148 (VCV000988148.9), dbSNP rs2059360185, ClinGen allele CA350847820.